The following is an entry in ClinVar:

ClinVar aggregate classification (germline): Uncertain significance (1 of 4 stars; one submission).

Allele frequency attached by ClinVar (database versions not stated): gnomAD exomes 0.00001; TOPMed 0.00001.
gnomAD v4.1: 3 of 1,613,516 alleles (0.00019%); highest among the groups gnomAD compares: Non-Finnish European, 0.00025%; no homozygotes.

Submission:

Labcorp Genetics (formerly Invitae), Labcorp
Classification: Uncertain significance. Last evaluated: 2022-07-06. Review status: criteria provided, single submitter. Criteria: Invitae Variant Classification Sherloc (09022015). Collection method: clinical testing. Allele origin: germline.
Comment: This sequence change replaces alanine, which is neutral and non-polar, with serine, which is neutral and polar, at codon 546 of the SEMA4A protein (p.Ala546Ser). This variant is not present in population databases (gnomAD no frequency). In summary, the available evidence is currently insufficient to determine the role of this variant in disease. Therefore, it has been classified as a Variant of Uncertain Significance. Algorithms developed to predict the effect of missense changes on protein structure and function are either unavailable or do not agree on the potential impact of this missense change (SIFT: "Tolerated"; PolyPhen-2: "Possibly Damaging"; Align-GVGD: "Class C0"). ClinVar contains an entry for this variant (Variation ID: 1042904). This variant has not been reported in the literature in individuals affected with SEMA4A-related conditions.

NM_022367.4(SEMA4A):c.1636G>T (p.Ala546Ser)

Gene: SEMA4A (semaphorin 4A; plus strand). Cytogenetic location: 1q22.
Variant type: single nucleotide variant.
Coding change: c.1636G>T on transcript NM_022367.4 (MANE Select); coding-DNA position 1636, G replaced by T.
Protein change: p.Ala546Ser; replaces alanine 546 with serine.
Molecular consequence: missense variant.
Genome position (GRCh38, 1-based): chr1:156,175,599, G>T. VCF-style: chr1-156175599-G-T. GRCh37 (hg19) VCF-style: chr1-156145390-G-T.
Other names: c.1636G>T, p.Ala546Ser (NM_001193300.2, NM_001193301.2, NM_001370567.1); c.1240G>T, p.Ala414Ser (NM_001193302.2); c.1339G>T, p.Ala447Ser (NM_001370568.1); c.1129G>T, p.Ala377Ser (NM_001370569.1, NM_001370571.1); short protein forms A377S, A447S, A546S, A414S.
Identifiers: ClinVar variation 1042904 (VCV001042904.8), dbSNP rs1572430137, ClinGen allele CA342809992.